The following is an entry in ClinVar:

NM_001715.3(BLK):c.1228G>C (p.Gly410Arg)

Gene: BLK (BLK proto-oncogene, Src family tyrosine kinase). Cytogenetic location: 8p23.1.
Variant type: single nucleotide variant.
Coding change: c.1228G>C on transcript NM_001715.3 (MANE Select); coding-DNA position 1228, G replaced by C.
Protein change: p.Gly410Arg; replaces glycine 410 with arginine.
Molecular consequence: missense variant.
Genome position (GRCh38, 1-based): chr8:11,563,026, G>C. VCF-style: chr8-11563026-G-C. GRCh37 (hg19) VCF-style: chr8-11420535-G-C.
Other names: c.1015G>C, p.Gly339Arg (NM_001330465.2); short protein forms G410R, G339R.
Identifiers: ClinVar variation 4691057 (VCV004691057.1).

ClinVar aggregate classification (germline): Uncertain significance (1 of 4 stars; one submission).

gnomAD v4.1: 43 of 1,614,154 alleles (0.0027%); highest among the groups gnomAD compares: Non-Finnish European, 0.0035%; no homozygotes.

Submission:

Labcorp Genetics (formerly Invitae), Labcorp
Classification: Uncertain significance. Last evaluated: 2025-05-28. Review status: criteria provided, single submitter. Criteria: Invitae Variant Classification Sherloc (09022015). Collection method: clinical testing. Allele origin: germline.
Comment: This sequence change replaces glycine, which is neutral and non-polar, with arginine, which is basic and polar, at codon 410 of the BLK protein (p.Gly410Arg). This variant is present in population databases (no rsID available, gnomAD 0.002%). This variant has not been reported in the literature in individuals affected with BLK-related conditions. An algorithm developed to predict the effect of missense changes on protein structure and function (PolyPhen-2) suggests that this variant is likely to be disruptive. In summary, the available evidence is currently insufficient to determine the role of this variant in disease. Therefore, it has been classified as a Variant of Uncertain Significance.